The following is an entry in ClinVar:

ClinVar aggregate classification (germline): Uncertain significance. Review status: criteria provided, multiple submitters, no conflicts (2 of 4 stars). 2 submissions from 2 submitters: Uncertain significance (2). Last evaluated 2024-12-23.

Conditions:
Ullrich congenital muscular dystrophy 2 (UCMD2). Identifiers: Orphanet 75840, MedGen C4225314, MONDO:0014654, OMIM 616470.
Bethlem myopathy 2 (BTHLM2). Identifiers: Orphanet 536516, Orphanet 610, MedGen C4225313, MONDO:0034022, OMIM 616471.

Allele frequency attached by ClinVar (database versions not stated): gnomAD exomes below 0.00001.
gnomAD v4.1: 1 of 1,612,966 alleles (0.000062%); highest among the groups gnomAD compares: East Asian, 0.0022%; no homozygotes.

Submissions (2):

Revvity Omics, Revvity
Classification: Uncertain significance. Last evaluated: 2024-12-23. Review status: criteria provided, single submitter. Criteria: ACMG Guidelines, 2015. Collection method: clinical testing. Allele origin: germline.

Labcorp Genetics (formerly Invitae), Labcorp
Classification: Uncertain significance for Bethlem myopathy 2; Ullrich congenital muscular dystrophy 2. Last evaluated: 2021-10-03. Review status: criteria provided, single submitter. Criteria: Invitae Variant Classification Sherloc (09022015). Collection method: clinical testing. Allele origin: germline.
Comment: This sequence change replaces isoleucine with valine at codon 2773 of the COL12A1 protein (p.Ile2773Val). The isoleucine residue is weakly conserved and there is a small physicochemical difference between isoleucine and valine. This variant is not present in population databases (ExAC no frequency). This variant has not been reported in the literature in individuals affected with COL12A1-related conditions. Algorithms developed to predict the effect of missense changes on protein structure and function output the following: SIFT: "Tolerated"; PolyPhen-2: "Benign"; Align-GVGD: "Class C0". The valine amino acid residue is found in multiple mammalian species, which suggests that this missense change does not adversely affect protein function. In summary, the available evidence is currently insufficient to determine the role of this variant in disease. Therefore, it has been classified as a Variant of Uncertain Significance.

NM_004370.6(COL12A1):c.8317A>G (p.Ile2773Val)

Gene: COL12A1 (collagen type XII alpha 1 chain; minus strand). Cytogenetic location: 6q13.
Variant type: single nucleotide variant.
Coding change: c.8317A>G on transcript NM_004370.6 (MANE Select); coding-DNA position 8317, A replaced by G.
Protein change: p.Ile2773Val; replaces isoleucine 2773 with valine.
Molecular consequence: missense variant.
Genome position (GRCh38, 1-based): chr6:75,103,759, T>C on the plus strand (A>G on the coding strand, the complement: COL12A1 is on the minus strand). VCF-style: chr6-75103759-T-C. GRCh37 (hg19) VCF-style: chr6-75813475-T-C.
Other names: c.4825A>G, p.Ile1609Val (NM_080645.3); short protein forms I2773V, I1609V.
Identifiers: ClinVar variation 1384254 (VCV001384254.7), dbSNP rs1254845133, ClinGen allele CA364739978.